The following is an entry in ClinVar:

ClinVar aggregate classification (germline): Uncertain significance. Review status: criteria provided, multiple submitters, no conflicts (2 of 4 stars). 2 submissions from 2 submitters: Uncertain significance (2). Last evaluated 2022-06-30.

Conditions:
Meckel-Gruber syndrome. Also called: GRUBER SYNDROME; DYSENCEPHALIA SPLANCHNOCYSTICA; Dysencephalia splachnocystica. Identifiers: Orphanet 564, MedGen C0265215, MONDO:0018921.
Joubert syndrome. Also called: JOUBERT-BOLTSHAUSER SYNDROME; Familial aplasia of the vermis. Identifiers: Orphanet 475, MedGen C5979921, MONDO:0018772.
Nephronophthisis. Also called: Juvenile Nephronophthisis. Identifiers: Orphanet 655, MedGen C0687120, MONDO:0019005, HP:0000090.

Submissions (2):

Labcorp Genetics (formerly Invitae), Labcorp
Classification: Uncertain significance for Joubert syndrome; Meckel-Gruber syndrome; Nephronophthisis. Last evaluated: 2022-06-30. Review status: criteria provided, single submitter. Criteria: Invitae Variant Classification Sherloc (09022015). Collection method: clinical testing. Allele origin: germline.
Comment: In summary, the available evidence is currently insufficient to determine the role of this variant in disease. Therefore, it has been classified as a Variant of Uncertain Significance. Algorithms developed to predict the effect of missense changes on protein structure and function are either unavailable or do not agree on the potential impact of this missense change (SIFT: "Deleterious"; PolyPhen-2: "Possibly Damaging"; Align-GVGD: "Class C0"). This variant has not been reported in the literature in individuals affected with CEP290-related conditions. This variant is not present in population databases (gnomAD no frequency). This sequence change replaces lysine, which is basic and polar, with arginine, which is basic and polar, at codon 1742 of the CEP290 protein (p.Lys1742Arg).

Blueprint Genetics
Classification: Uncertain significance. Last evaluated: 2018-07-19. Review status: criteria provided, single submitter. Criteria: ACMG Guidelines, 2015. Collection method: clinical testing. Allele origin: germline.

NM_025114.4(CEP290):c.5225A>G (p.Lys1742Arg)

Gene: CEP290 (centrosomal protein 290; minus strand). Cytogenetic location: 12q21.32.
Variant type: single nucleotide variant.
Coding change: c.5225A>G on transcript NM_025114.4 (MANE Select); coding-DNA position 5225, A replaced by G.
Protein change: p.Lys1742Arg; replaces lysine 1742 with arginine.
Molecular consequence: missense variant.
Genome position (GRCh38, 1-based): chr12:88,080,183, T>C on the plus strand (A>G on the coding strand, the complement: CEP290 is on the minus strand). VCF-style: chr12-88080183-T-C. GRCh37 (hg19) VCF-style: chr12-88473960-T-C.
Other names: short protein forms K1742R.
Identifiers: ClinVar variation 2012434 (VCV002012434.5), dbSNP rs2499907302, ClinGen allele CA385990845.
Genomic context (GRCh38, chr12:88,080,183, plus strand): 5'-CTAAAAGCAATCTACCACATATTTTTCCTAAATGTTGATAATTTTCTGTTGTTACTTACT[T>C]TCTGTTGTTTCTCCTTCAAGGCTAATTGGCTCTTTAGCCGTTCTACTAGATTTCTCATTG-3'
Protein context (NP_079390.3, residues 1732-1752): SQLALKEKQQ[Lys1742Arg]ALSRALLELR